The following is an entry in ClinVar:

NM_006642.5(SDCCAG8):c.1337G>A (p.Arg446Gln)

Gene: SDCCAG8 (SHH signaling and ciliogenesis regulator SDCCAG8; plus strand). Cytogenetic location: 1q43.
Variant type: single nucleotide variant.
Coding change: c.1337G>A on transcript NM_006642.5 (MANE Select); coding-DNA position 1337, G replaced by A.
Protein change: p.Arg446Gln; replaces arginine 446 with glutamine.
Molecular consequence: missense variant.
Genome position (GRCh38, 1-based): chr1:243,341,154, G>A. VCF-style: chr1-243341154-G-A. GRCh37 (hg19) VCF-style: chr1-243504456-G-A.
Other names: c.1337G>A (NM_006642.3); c.434G>A, p.Arg145Gln (NM_001350246.2, NM_001350247.2, NM_001350251.2); c.1433G>A, p.Arg478Gln (NM_001350248.2); c.1043G>A, p.Arg348Gln (NM_001350249.2); short protein forms R446Q, R145Q, R348Q, R478Q.
Identifiers: ClinVar variation 598470 (VCV000598470.14), dbSNP rs772853104, ClinGen allele CA1483613.

ClinVar aggregate classification (germline): Uncertain significance. Review status: criteria provided, multiple submitters, no conflicts (2 of 4 stars). 4 submissions from 4 submitters: Uncertain significance (4). Last evaluated 2025-08-26.

Conditions:
SDCCAG8-related disorder. Also called: SDCCAG8-related condition; SDCCAG8-Related Disorders.
Senior-Loken syndrome 7 (SLSN7). Identifiers: Orphanet 3156, MedGen C3150877, MONDO:0013326, OMIM 613615.
Bardet-Biedl syndrome 16 (BBS16). Identifiers: Orphanet 110, MedGen C3889474, MONDO:0014444, OMIM 615993.

Allele frequency attached by ClinVar (database versions not stated): ExAC 0.00001; gnomAD 0.00001; gnomAD exomes 0.00001 and 0.00002; TOPMed 0.00001.
gnomAD v4.1: 24 of 1,613,844 alleles (0.0015%); highest among the groups gnomAD compares: South Asian, 0.011%; no homozygotes.

Submissions (4):

PreventionGenetics, part of Exact Sciences
Classification: Uncertain significance for SDCCAG8-related condition. Last evaluated: 2025-08-26. Review status: criteria provided, single submitter. Criteria: ACMG Guidelines, 2015. Collection method: clinical testing. Allele origin: germline.
Comment: The SDCCAG8 c.1337G>A variant is predicted to result in the amino acid substitution p.Arg446Gln. This variant was reported as a heterozygous variant of uncertain significance in an individual with Bardet-Biedl syndrome (Nasser et al. 2022. PubMed ID: 35886001). This variant is reported in 0.0033% of alleles in individuals of South Asian descent in gnomAD. At this time, the clinical significance of this variant is uncertain due to the absence of conclusive functional and genetic evidence.

Labcorp Genetics (formerly Invitae), Labcorp
Classification: Uncertain significance for Bardet-Biedl syndrome 16; Senior-Loken syndrome 7. Last evaluated: 2022-08-15. Review status: criteria provided, single submitter. Criteria: Invitae Variant Classification Sherloc (09022015). Collection method: clinical testing. Allele origin: germline.
Comment: In summary, the available evidence is currently insufficient to determine the role of this variant in disease. Therefore, it has been classified as a Variant of Uncertain Significance. Algorithms developed to predict the effect of sequence changes on RNA splicing suggest that this variant may create or strengthen a splice site. Algorithms developed to predict the effect of missense changes on protein structure and function output the following: SIFT: "Tolerated"; PolyPhen-2: "Benign"; Align-GVGD: "Class C0". The glutamine amino acid residue is found in multiple mammalian species, which suggests that this missense change does not adversely affect protein function. ClinVar contains an entry for this variant (Variation ID: 598470). This variant has not been reported in the literature in individuals affected with SDCCAG8-related conditions. This variant is present in population databases (rs772853104, gnomAD 0.003%). This sequence change replaces arginine, which is basic and polar, with glutamine, which is neutral and polar, at codon 446 of the SDCCAG8 protein (p.Arg446Gln).

Fulgent Genetics
Classification: Uncertain significance for Senior-Loken syndrome 7; Bardet-Biedl syndrome 16. Last evaluated: 2022-05-13. Review status: criteria provided, single submitter. Criteria: ACMG Guidelines, 2015. Collection method: clinical testing. Allele origin: unknown.

Eurofins Ntd Llc (ga)
Classification: Uncertain significance. Last evaluated: 2018-08-21. Review status: criteria provided, single submitter. Criteria: EGL ClinVar v180209 classification definitions. Collection method: clinical testing. Allele origin: germline. Observed: 1 variant allele, 1 heterozygote.